The following is an entry in ClinVar:

NM_013254.4(TBK1):c.1189+1G>A

Gene: TBK1 (TANK binding kinase 1; plus strand). Cytogenetic location: 12q14.2.
Variant type: single nucleotide variant.
Coding change: c.1189+1G>A on transcript NM_013254.4 (MANE Select); the canonical splice donor site of the intron after coding-DNA position 1189, G replaced by A.
Molecular consequence: splice donor variant.
Genome position (GRCh38, 1-based): chr12:64,484,500, G>A. VCF-style: chr12-64484500-G-A. GRCh37 (hg19) VCF-style: chr12-64878280-G-A.
Identifiers: ClinVar variation 1497076 (VCV001497076.8), dbSNP rs2136078402, ClinGen allele CA385600515.

ClinVar aggregate classification (germline): Pathogenic (1 of 4 stars; one submission).

Conditions:
Frontotemporal dementia and/or amyotrophic lateral sclerosis 4. Also called: FTDALS4. Identifiers: Orphanet 275872, MedGen C4225325, MONDO:0014641, OMIM 616439.

Allele frequency attached by ClinVar (database versions not stated): gnomAD exomes below 0.00001.
gnomAD v4.1: 2 of 1,592,474 alleles (0.00013%); highest among the groups gnomAD compares: Admixed American, 0.0018%; no homozygotes.

Submission:

Labcorp Genetics (formerly Invitae), Labcorp
Classification: Pathogenic for Frontotemporal dementia and/or amyotrophic lateral sclerosis 4. Last evaluated: 2025-03-03. Review status: criteria provided, single submitter. Criteria: Invitae Variant Classification Sherloc (09022015). Collection method: clinical testing. Allele origin: germline.
Comment: This sequence change affects a donor splice site in intron 9 of the TBK1 gene. It is expected to disrupt RNA splicing. Variants that disrupt the donor or acceptor splice site typically lead to a loss of protein function (PMID: 16199547), and loss-of-function variants in TBK1 are known to be pathogenic (PMID: 25803835, 26476236, 26581300). This variant is not present in population databases (gnomAD no frequency). Disruption of this splice site has been observed in individuals with amyotrophic lateral sclerosis (PMID: 35118923; internal data). ClinVar contains an entry for this variant (Variation ID: 1497076). Algorithms developed to predict the effect of sequence changes on RNA splicing suggest that this variant may disrupt the consensus splice site. For these reasons, this variant has been classified as Pathogenic.

Literature cited by the submitters: PubMed 16199547; PubMed 25803835; PubMed 26476236; PubMed 26581300; PubMed 35118923.